The following is an entry in ClinVar:

NM_001197104.2(KMT2A):c.10864G>T (p.Val3622Leu)

Gene: KMT2A (lysine methyltransferase 2A; plus strand). Cytogenetic location: 11q23.3.
Variant type: single nucleotide variant.
Coding change: c.10864G>T on transcript NM_001197104.2 (MANE Select); coding-DNA position 10864, G replaced by T.
Protein change: p.Val3622Leu; replaces valine 3622 with leucine.
Molecular consequence: missense variant.
Genome position (GRCh38, 1-based): chr11:118,509,164, G>T. VCF-style: chr11-118509164-G-T. GRCh37 (hg19) VCF-style: chr11-118379879-G-T.
Other names: c.10954G>T, p.Val3652Leu (NM_001412597.1); c.10855G>T, p.Val3619Leu (NM_005933.4); short protein forms V3622L, V3619L, V3652L.
Identifiers: ClinVar variation 2176660 (VCV002176660.4), dbSNP rs139119128, ClinGen allele CA6304853.

ClinVar aggregate classification (germline): Uncertain significance (1 of 4 stars; one submission).

Allele frequency attached by ClinVar (database versions not stated): gnomAD 0.00001; TOPMed 0.00001; ExAC 0.00002; ESP Exome Variant Server 0.00008.
gnomAD v4.1: 31 of 1,613,732 alleles (0.0019%); highest among the groups gnomAD compares: Non-Finnish European, 0.0026%; no homozygotes.

Submission:

Labcorp Genetics (formerly Invitae), Labcorp
Classification: Uncertain significance. Last evaluated: 2025-03-12. Review status: criteria provided, single submitter. Criteria: Invitae Variant Classification Sherloc (09022015). Collection method: clinical testing. Allele origin: germline.
Comment: This sequence change replaces valine, which is neutral and non-polar, with leucine, which is neutral and non-polar, at codon 3622 of the KMT2A protein (p.Val3622Leu). This variant is present in population databases (rs139119128, gnomAD 0.002%). This variant has not been reported in the literature in individuals affected with KMT2A-related conditions. ClinVar contains an entry for this variant (Variation ID: 2176660). Invitae Evidence Modeling of protein sequence and biophysical properties (such as structural, functional, and spatial information, amino acid conservation, physicochemical variation, residue mobility, and thermodynamic stability) indicates that this missense variant is not expected to disrupt KMT2A protein function with a negative predictive value of 95%. In summary, the available evidence is currently insufficient to determine the role of this variant in disease. Therefore, it has been classified as a Variant of Uncertain Significance.